The following is an entry in ClinVar:

NM_001012426.2(FOXP4):c.355C>G (p.Gln119Glu)

Gene: FOXP4 (forkhead box P4; plus strand). Cytogenetic location: 6p21.1.
Variant type: single nucleotide variant.
Coding change: c.355C>G on transcript NM_001012426.2 (MANE Select); coding-DNA position 355, C replaced by G.
Protein change: p.Gln119Glu; replaces glutamine 119 with glutamic acid.
Molecular consequence: missense variant.
Genome position (GRCh38, 1-based): chr6:41,584,823, C>G. VCF-style: chr6-41584823-C-G. GRCh37 (hg19) VCF-style: chr6-41552561-C-G.
Other names: c.355C>G, p.Gln119Glu (NM_001012427.2, NM_001405824.1, NM_138457.3); c.259C>G, p.Gln87Glu (NM_001405825.1, NM_001405826.1); short protein forms Q119E, Q87E.
Identifiers: ClinVar variation 4845546 (VCV004845546.1).

ClinVar aggregate classification (germline): Uncertain significance (1 of 4 stars; one submission).

Submission:

Greenwood Genetic Center Diagnostic Laboratories, Greenwood Genetic Center
Classification: Uncertain significance. Last evaluated: 2025-12-18. Review status: criteria provided, single submitter. Criteria: ACMG Guidelines, 2015. Collection method: clinical testing. Allele origin: germline. Affected: yes.
Comment: Gene of Uncertain Significance